The following is an entry in ClinVar:

ClinVar aggregate classification (germline): Likely benign. Review status: criteria provided, multiple submitters, no conflicts (2 of 4 stars). 3 submissions from 3 submitters: Likely benign (3). Last evaluated 2026-01-27.

Allele frequency attached by ClinVar (database versions not stated): ExAC 0.00001; gnomAD 0.00001; gnomAD exomes 0.00002 and 0.00007; TOPMed 0.00002.
gnomAD v4.1: 106 of 1,611,082 alleles (0.0066%); highest among the groups gnomAD compares: Non-Finnish European, 0.0087%; no homozygotes.

Submissions (3):

Labcorp Genetics (formerly Invitae), Labcorp
Classification: Likely benign. Last evaluated: 2026-01-27. Review status: criteria provided, single submitter. Criteria: Invitae Variant Classification Sherloc (09022015). Collection method: clinical testing. Allele origin: germline.

Mayo Clinic Laboratories, Mayo Clinic
Classification: Likely benign. Last evaluated: 2024-11-14. Review status: criteria provided, single submitter. Criteria: ACMG Guidelines, 2015. Collection method: clinical testing. Allele origin: germline. Observed: 1 variant allele.
Comment: BP4, BP7

GeneDx
Classification: Likely benign. Last evaluated: 2018-04-20. Review status: criteria provided, single submitter. Criteria: GeneDx Variant Classification Process June 2021. Collection method: clinical testing. Allele origin: germline. Affected: yes.

NM_014254.3(RXYLT1):c.43C>T (p.Leu15=)

Gene: RXYLT1 (ribitol xylosyltransferase 1; plus strand). Cytogenetic location: 12q14.2.
Variant type: single nucleotide variant.
Coding change: c.43C>T on transcript NM_014254.3 (MANE Select); coding-DNA position 43, C replaced by T.
Protein change: p.Leu15=; no amino-acid change (leucine 15 retained).
Molecular consequence: synonymous variant.
Genome position (GRCh38, 1-based): chr12:63,780,003, C>T. VCF-style: chr12-63780003-C-T. GRCh37 (hg19) VCF-style: chr12-64173783-C-T.
Other names: p.Leu15=.
Identifiers: ClinVar variation 517865 (VCV000517865.15), dbSNP rs770861350, ClinGen allele CA6665971.
Genomic context (GRCh38, chr12:63,780,003, plus strand): 5'-ACTGGAAGCCCGAGTGGGATGCGGCTGACGCGGAAGCGGCTCTGCTCGTTTCTTATCGCC[C>T]TGTACTGCCTATTCTCCCTCTACGCTGCCTACCACGTCTTCTTCGGGCGCCGCCGCCAGG-3'
Protein context (NP_055069.1, residues 5-25): RKRLCSFLIA[Leu15=]YCLFSLYAAY